The following is an entry in ClinVar:

ClinVar aggregate classification (germline): Uncertain significance (1 of 4 stars; one submission).

Conditions:
Immunodeficiency. Identifiers: MedGen C0021051, MONDO:0021094, HP:0002721.

Submission:

Labcorp Genetics (formerly Invitae), Labcorp
Classification: Uncertain significance for Immunodeficiency. Last evaluated: 2024-08-19. Review status: criteria provided, single submitter. Criteria: Invitae Variant Classification Sherloc (09022015). Collection method: clinical testing. Allele origin: germline.
Comment: This sequence change replaces methionine, which is neutral and non-polar, with threonine, which is neutral and polar, at codon 862 of the NFAT5 protein (p.Met862Thr). This variant is not present in population databases (gnomAD no frequency). This variant has not been reported in the literature in individuals affected with NFAT5-related conditions. An algorithm developed to predict the effect of missense changes on protein structure and function (PolyPhen-2) suggests that this variant is likely to be tolerated. In summary, the available evidence is currently insufficient to determine the role of this variant in disease. Therefore, it has been classified as a Variant of Uncertain Significance.

NM_138713.4(NFAT5):c.2867T>C (p.Met956Thr)

Gene: NFAT5 (nuclear factor of activated T cells 5; plus strand). Cytogenetic location: 16q22.1.
Variant type: single nucleotide variant.
Coding change: c.2867T>C on transcript NM_138713.4 (MANE Select); coding-DNA position 2867, T replaced by C.
Protein change: p.Met956Thr; replaces methionine 956 with threonine.
Molecular consequence: missense variant.
Genome position (GRCh38, 1-based): chr16:69,692,692, T>C. VCF-style: chr16-69692692-T-C. GRCh37 (hg19) VCF-style: chr16-69726595-T-C.
Other names: c.2864T>C, p.Met955Thr (NM_001113178.3); c.2192T>C, p.Met731Thr (NM_001367709.1); c.2813T>C, p.Met938Thr (NM_006599.4); c.2585T>C, p.Met862Thr (NM_138714.4, NM_173214.3, NM_173215.3); short protein forms M731T, M956T, M938T, M862T, M955T.
Identifiers: ClinVar variation 2711460 (VCV002711460.3), dbSNP rs2544238428, ClinGen allele CA396511577.